The following is an entry in ClinVar:

ClinVar aggregate classification (germline): Uncertain significance (1 of 4 stars; one submission).

Conditions:
Allan-Herndon-Dudley syndrome (AHDS). Also called: T3 RESISTANCE; TRIIODOTHYRONINE RESISTANCE; Passos-Bueno syndrome; ALLAN-HERNDON SYNDROME; MENTAL RETARDATION AND MUSCULAR ATROPHY. Identifiers: Orphanet 59, MedGen C0795889, MONDO:0010354, OMIM 300523.

Submission:

3billion
Classification: Uncertain significance for Allan-Herndon-Dudley syndrome. Last evaluated: 2023-07-11. Review status: criteria provided, single submitter. Criteria: ACMG Guidelines, 2015. Collection method: clinical testing. Allele origin: germline. Affected: yes.
Comment: The variant is not observed in the gnomAD v2.1.1 dataset. Predicted Consequence/Location: Missense variant In silico tool predictions suggest damaging effect of the variant on gene or gene product (REVEL: 0.34; 3Cnet: 0.61). Therefore, this variant is classified as VUS according to the recommendation of ACMG/AMP guideline.

NM_006517.5(SLC16A2):c.428C>A (p.Ala143Glu)

Gene: SLC16A2 (solute carrier family 16 member 2; plus strand). Cytogenetic location: Xq13.2.
Variant type: single nucleotide variant.
Coding change: c.428C>A on transcript NM_006517.5 (MANE Select); coding-DNA position 428, C replaced by A.
Protein change: p.Ala143Glu; replaces alanine 143 with glutamic acid.
Molecular consequence: missense variant.
Genome position (GRCh38, 1-based): chrX:74,422,065, C>A. VCF-style: chrX-74422065-C-A. GRCh37 (hg19) VCF-style: chrX-73641900-C-A.
Other names: short protein forms A143E.
Identifiers: ClinVar variation 3775567 (VCV003775567.1).
Genomic context (GRCh38, chrX:74,422,065, plus strand): 5'-TCCTCTACTCCATGCTGCTAGAGGAGGAAAAGGAAAAAAATCGCCAAGTGGAGTTCCAAG[C>A]AGGTGAGTGGCCCCGCACGCCCCACTTGGCATTTTGGGCAAGGTTGGCCGCTCCCGCTGC-3'
Protein context (NP_006508.2, residues 133-153): KEKNRQVEFQ[Ala143Glu]AWVGALAMGM